The following is an entry in ClinVar:

ClinVar aggregate classification (germline): Uncertain significance (1 of 4 stars; one submission).

Conditions:
Long QT syndrome (LQTS). Identifiers: MedGen C0023976, MeSH D008133, MONDO:0002442. Disease mechanism: loss of function. Inheritance: Various modes of inheritance.

gnomAD v4.1: 2 of 1,612,120 alleles (0.00012%); highest among the groups gnomAD compares: East Asian, 0.0022%; no homozygotes.

Submission:

Labcorp Genetics (formerly Invitae), Labcorp
Classification: Uncertain significance for Long QT syndrome. Last evaluated: 2022-08-09. Review status: criteria provided, single submitter. Criteria: Invitae Variant Classification Sherloc (09022015). Collection method: clinical testing. Allele origin: germline.
Comment: In summary, the available evidence is currently insufficient to determine the role of this variant in disease. Therefore, it has been classified as a Variant of Uncertain Significance. Algorithms developed to predict the effect of missense changes on protein structure and function (SIFT, PolyPhen-2, Align-GVGD) all suggest that this variant is likely to be tolerated. ClinVar contains an entry for this variant (Variation ID: 575382). This variant has not been reported in the literature in individuals affected with CACNA1C-related conditions. This variant is not present in population databases (gnomAD no frequency). This sequence change replaces arginine, which is basic and polar, with leucine, which is neutral and non-polar, at codon 1780 of the CACNA1C protein (p.Arg1780Leu).

NM_000719.7(CACNA1C):c.5339G>T (p.Arg1780Leu)

Genes: CACNA1C (calcium voltage-gated channel subunit alpha1 C; plus strand), CACNA1C-AS1 (CACNA1C antisense RNA 1; minus strand). Cytogenetic location: 12p13.33.
Variant type: single nucleotide variant.
Coding change: c.5339G>T on transcript NM_000719.7 (MANE Select); coding-DNA position 5339, G replaced by T.
Protein change: p.Arg1780Leu; replaces arginine 1780 with leucine.
Molecular consequence: missense variant.
Genome position (GRCh38, 1-based): chr12:2,679,691, G>T. VCF-style: chr12-2679691-G-T. GRCh37 (hg19) VCF-style: chr12-2788857-G-T.
Other names: c.5483G>T, p.Arg1828Leu (NM_001129827.2, NM_199460.4); c.5462G>T, p.Arg1821Leu (NM_001129829.2); c.5339G>T, p.Arg1780Leu (NM_001129830.3, NM_001129840.2, NM_001129841.2 and 4 more transcripts); c.5423G>T, p.Arg1808Leu (NM_001129831.2); c.5399G>T, p.Arg1800Leu (NM_001129832.2); c.5396G>T, p.Arg1799Leu (NM_001129833.2, NM_001129834.2, NM_001129835.2); c.5390G>T, p.Arg1797Leu (NM_001129836.2); c.5363G>T, p.Arg1788Leu (NM_001129837.2, NM_001129838.2); and 3 more; short protein forms R1780L, R1828L, R1800L, R1799L, R1821L, R1769L, R1777L, R1786L.
Identifiers: ClinVar variation 575382 (VCV000575382.9), dbSNP rs756829999, ClinGen allele CA383378999.
Genomic context (GRCh38, chr12:2,679,691, plus strand): 5'-CCACCGGCTCCAACGCCAACATCAACAACGCCAACAACACCGCCCTGGGTCGCCTCCCTC[G>T]CCCCGCCGGCTACCCCAGCACGGTCAGCACTGTGGAGGGCCACGGGCCCCCCTTGTCCCC-3'
Protein context (NP_000710.5, residues 1770-1790): ANNTALGRLP[Arg1780Leu]PAGYPSTVST